The following is an entry in ClinVar:

NM_015559.3(SETBP1):c.507_521del (p.Ala170_Leu174del)

Gene: SETBP1 (SET binding protein 1; plus strand). Cytogenetic location: 18q12.3.
Variant type: Deletion.
Coding change: c.507_521del on transcript NM_015559.3 (MANE Select); coding-DNA positions 507 to 521, 15 bases deleted (TGCAGCCAGTGACCT).
Protein change: p.Ala170_Leu174del.
Molecular consequence: inframe deletion.
Genome position (GRCh38, 1-based): chr18:44,869,250-44,869,264, TGCAGCCAGTGACCT deleted; deleting any 15 consecutive bases within chr18:44,869,237-44,869,264 gives the same sequence; the c. name uses the placement nearest the transcript's 3' end. VCF-style (leftmost placement, unchanged base first): chr18-44869236-ACAGCCAGTGACCTTG-A. GRCh37 (hg19) VCF-style: chr18-42449201-ACAGCCAGTGACCTTG-A.
Other names: c.507_521del, p.Ala170_Leu174del (NM_001130110.2, NM_001379141.1, NM_001379142.1); c.507_521del15 (NM_015559.2).
Identifiers: ClinVar variation 1503838 (VCV001503838.10), dbSNP rs759625131, ClinGen allele CA8945404.

ClinVar aggregate classification (germline): Benign. Review status: criteria provided, single submitter (1 of 4 stars). 2 submissions from 2 submitters: Benign (1). 1 of the submissions does not count toward it. Last evaluated 2025-06-17.

Conditions:
SETBP1-related disorder. Also called: SETBP1-related condition; SETBP1-related disorders.

Submissions (2):

Labcorp Genetics (formerly Invitae), Labcorp
Classification: Benign. Last evaluated: 2025-06-17. Review status: criteria provided, single submitter. Criteria: Invitae Variant Classification Sherloc (09022015). Collection method: clinical testing. Allele origin: germline.

PreventionGenetics, part of Exact Sciences
Classification: Likely benign for SETBP1-related condition. Last evaluated: 2023-02-24. Review status: no assertion criteria provided. Collection method: clinical testing. Allele origin: germline. Not counted in ClinVar's aggregate classification.
Comment: This variant is classified as likely benign based on ACMG/AMP sequence variant interpretation guidelines (Richards et al. 2015 PMID: 25741868, with internal and published modifications).